The following is an entry in ClinVar:

NM_003900.5(SQSTM1):c.651C>T (p.Arg217=)

Gene: SQSTM1 (sequestosome 1; plus strand). Cytogenetic location: 5q35.3.
Variant type: single nucleotide variant.
Coding change: c.651C>T on transcript NM_003900.5 (MANE Select); coding-DNA position 651, C replaced by T.
Protein change: p.Arg217=; no amino-acid change (arginine 217 retained).
Molecular consequence: synonymous variant.
Genome position (GRCh38, 1-based): chr5:179,824,301, C>T. VCF-style: chr5-179824301-C-T. GRCh37 (hg19) VCF-style: chr5-179251301-C-T.
Other names: c.399C>T, p.Arg133= (NM_001142298.2, NM_001142299.2).
Identifiers: ClinVar variation 3352196 (VCV003352196.3).
Genomic context (GRCh38, chr5:179,824,301, plus strand): 5'-ATGGGAAATGGGTCCACCAGGAAACTGGAGCCCACGTCCTCCTCGTGCAGGGGAGGCCCG[C>T]CCTGGCCCCACGGCAGAATCAGGTGAGGCTTGTGTTGGAACCTGCTTCTGATTGGTGACA-3'
Protein context (NP_003891.1, residues 207-227): SPRPPRAGEA[Arg217=]PGPTAESASG

ClinVar aggregate classification (germline): Likely benign. Review status: criteria provided, single submitter (1 of 4 stars). 2 submissions from 2 submitters: Likely benign (1). 1 of the submissions does not count toward it. Last evaluated 2024-05-18.

Conditions:
Frontotemporal dementia and/or amyotrophic lateral sclerosis 1 (FTDALS1). Also called: Frontotemporal dementia with motor neuron disease 1; C9orf72 Frontotemporal Dementia and/or Amyotrophic Lateral Sclerosis. Identifiers: Orphanet 275872, MedGen C5779877, MONDO:0007105, OMIM 105550.
Paget disease of bone 2, early-onset (PDB2). Also called: Paget disease of bone 2. Identifiers: MedGen C4085251, MONDO:0011183, OMIM 602080.
SQSTM1-related disorder. Also called: SQSTM1-Related Disorders.

gnomAD v4.1: 1 of 1,613,668 alleles (0.000062%); highest among the groups gnomAD compares: Admixed American, 0.0017%; no homozygotes.

Submissions (2):

Labcorp Genetics (formerly Invitae), Labcorp
Classification: Likely benign for Paget disease of bone 2, early-onset; Frontotemporal dementia and/or amyotrophic lateral sclerosis 1. Last evaluated: 2024-05-18. Review status: criteria provided, single submitter. Criteria: Invitae Variant Classification Sherloc (09022015). Collection method: clinical testing. Allele origin: germline.

PreventionGenetics, part of Exact Sciences
Classification: Likely benign for SQSTM1-related condition. Last evaluated: 2024-04-25. Review status: no assertion criteria provided. Collection method: clinical testing. Allele origin: germline. Not counted in ClinVar's aggregate classification.
Comment: This variant is classified as likely benign based on ACMG/AMP sequence variant interpretation guidelines (Richards et al. 2015 PMID: 25741868, with internal and published modifications).